The following is an entry in ClinVar:

NM_022124.6(CDH23):c.1675C>T (p.Pro559Ser)

Gene: CDH23 (cadherin related 23; plus strand). Cytogenetic location: 10q22.1.
Variant type: single nucleotide variant.
Coding change: c.1675C>T on transcript NM_022124.6 (MANE Select); coding-DNA position 1675, C replaced by T.
Protein change: p.Pro559Ser; replaces proline 559 with serine.
Molecular consequence: missense variant.
Genome position (GRCh38, 1-based): chr10:71,677,616, C>T. VCF-style: chr10-71677616-C-T. GRCh37 (hg19) VCF-style: chr10-73437373-C-T.
Other names: NM_022124.4:c.1675C>T; c.1675C>T, p.Pro559Ser (NM_001171930.2, NM_001171931.2); short protein forms P559S.
Identifiers: ClinVar variation 402252 (VCV000402252.3), dbSNP rs1060499792, ClinGen allele CA16609570.
Genomic context (GRCh38, chr10:71,677,616, plus strand): 5'-GGCGGCGAGGAGACCACAGGCCGGGTCAGGATCAATGTGTTGGATGTCAACGACAACGTG[C>T]CCACCTTCCAGAAGGATGCCTACGTGGGTGCTCTGCGGGAGAACGAGCCTTCTGTCACAC-3'
Protein context (NP_071407.4, residues 549-569): INVLDVNDNV[Pro559Ser]TFQKDAYVGA

ClinVar aggregate classification (germline): Likely pathogenic. Review status: criteria provided, single submitter (1 of 4 stars). 2 submissions from 2 submitters: Likely pathogenic (1). 1 of the submissions does not count toward it. Last evaluated 2020-08-01.

Conditions:
Autosomal recessive nonsyndromic hearing loss 12. Also called: DEAFNESS, AUTOSOMAL RECESSIVE 12. Identifiers: Orphanet 90636, MedGen C1832394, MONDO:0011067, OMIM 601386.

Submissions (2):

King Laboratory, University of Washington
Classification: Likely pathogenic for Autosomal recessive nonsyndromic hearing loss 12. Last evaluated: 2020-08-01. Review status: criteria provided, single submitter. Criteria: Abu Rayyan A et al. (Proc Natl Acad Sci U S A 2020). Collection method: research. Allele origin: germline. Affected: yes.
Comment: CDH23 c.1675C>T, p.P559S alters a highly conserved residue of CDH23. The variant is homozygous in 6 children from 2 Palestinian families with pre-lingual hearing loss (Abu Rayyan 2020). The variant is absent from 1300 Palestinian controls and from gnomAD v2.1.1.

Hereditary Research Laboratory, Bethlehem University
Classification: Pathogenic for Autosomal recessive nonsyndromic hearing loss 12. Last evaluated: 2016-06-04. Review status: no assertion criteria provided. Collection method: research. Allele origin: germline. Affected: yes. Not counted in ClinVar's aggregate classification.